The following is an entry in ClinVar:

ClinVar aggregate classification (germline): Conflicting classifications of pathogenicity; association; risk factor. Review status: criteria provided, conflicting classifications (1 of 4 stars). 60 submissions from 56 submitters: Pathogenic (6); Likely pathogenic (9); Pathogenic, low penetrance (1); Established risk allele (6); Uncertain significance (12). 18 of the submissions do not count toward it. Last evaluated 2026-09-01.

Conditions:
APC-Associated Polyposis Disorders.
Classic or attenuated familial adenomatous polyposis. Identifiers: MedGen CN372698, MONDO:0021057.
Diffuse midline glioma, H3 K27-altered. Identifiers: MedGen C5669877, MONDO:1060171.
Colorectal cancer. Also called: Malignant Colorectal Neoplasm; Colorectal cancer, somatic. Identifiers: MedGen C0346629, MONDO:0005575, OMIM 114500.
Hereditary cancer-predisposing syndrome. Also called: Neoplastic Syndromes, Hereditary; Tumor predisposition; Hereditary Cancer Syndrome; Hereditary neoplastic syndrome. Identifiers: Orphanet 140162, MedGen C0027672, MeSH D009386, MONDO:0015356.
Familial multiple polyposis syndrome (FAP). Also called: Classic familial adenomatous polyposis; Familial Adenomatous Polyposis (FAP); Familial adenomatous polyposis; Familial intestinal polyposis; Familial polyposis. Identifiers: Orphanet 733, MedGen C0032580, MONDO:0021055. Disease mechanism: loss of function.
Familial adenomatous polyposis 1 (FAP1). Also called: FAMILIAL ADENOMATOUS POLYPOSIS 1, ATTENUATED; POLYPOSIS, ADENOMATOUS INTESTINAL. Identifiers: MedGen C2713442, MONDO:0021056, OMIM 175100. Disease mechanism: loss of function.
Familial colorectal cancer. Identifiers: MedGen CN280943, MONDO:0023113. Disease mechanism: loss of function.
Carcinoma of colon (CRC). Also called: Colonic carcinoma; Colon carcinoma. Identifiers: MedGen C0699790, MONDO:0002032.
Colorectal cancer, susceptibility to. Identifiers: MedGen C1858438.
Adenomatous polyposis coli, susceptibility to.
Breast cancer, susceptibility to. Identifiers: MedGen C3469522. Disease mechanism: gain of function.
Breast carcinoma. Also called: Carcinoma of breast. Identifiers: MedGen C0678222, MONDO:0004989, HP:0003002.

Allele frequency attached by ClinVar (database versions not stated): gnomAD 0.00116 and 0.00124; ExAC 0.00169; gnomAD exomes 0.00201; TOPMed 0.00136.
gnomAD v4.1: 2,000 of 1,614,038 alleles (0.12%); highest among the groups gnomAD compares: Middle Eastern, 2.2%; 29 homozygotes.

Submissions 1 to 5 of 60:

CeGaT Center for Human Genetics Tuebingen
Classification: Uncertain significance. Last evaluated: 2026-09-01. Review status: criteria provided, single submitter. Criteria: CeGaT Center For Human Genetics Tuebingen Variant Classification Criteria Version 2. Collection method: clinical testing. Allele origin: germline. Affected: yes. Observed: 22 variant alleles.
Comment: APC: PM1, PS4:Moderate, PS3:Supporting, BP1, BP4

Ambry Genetics
Classification: Established risk allele for Hereditary cancer-predisposing syndrome. Last evaluated: 2026-08-28. Review status: criteria provided, single submitter. Criteria: Ambry Variant Classification Scheme 2023. Collection method: clinical testing. Allele origin: germline.
Comment: The p.I1307K alteration (also known as c.3920T>A) is located in coding exon 15 of the APC gene. This alteration is present in 6-10% of the Ashkenazi Jewish population and has been reported at even higher frequencies in Ashkenazi Jewish colorectal cancer (CRC) cohorts (Boursi B et al. Eur. J. Cancer. 2013 Nov;49:3680-5; Gryfe R et al. Am J. Hum. Genet. 1999 Feb;64:378-84; Syngal S et al. JAMA. 2000 Aug;284:857-60; Stern HS et al. Gasteroenterol. 2001 Feb;120:392-400). The magnitude of CRC risk associated with p.I1307K has been debated in the literature; however, a meta-analysis of data from numerous independent studies found that p.I1307K confers an increased lifetime risk for CRC in the Ashkenazi Jewish population (OR=2.17, 95% CI=1.64-2.86; Liang J et al. Am. J. Epidemiol. 2013 Jun;177:1169-79). Associations between p.I1307K and risk of CRC and other malignancies is not well defined risk in non-Ashkenazi Jewish populations (Liang J et al. Am. J. Epidemiol. 2013 Jun;177:1169-79; Leshno A et al. Int. J. Cancer. 2016 Mar;138:1361-7; Abdel-Malak C et al. Fam. Cancer. 2016 Jan;15:49-56). This alteration is considered a risk allele for colorectal cancer and is not known to be associated with polyposis. Although controversial, increased colonoscopic surveillance is an option for carriers of this mutation (Rennert G et al. Dis. Colon Rectum. 2005 Dec;48:2317-21). Clinical correlation is advised.

Praxis Für Humangenetik, Biosciencia MVZ Labor Saar
Classification: Established risk allele for Hereditary cancer-predisposing syndrome. Last evaluated: 2026-02-25. Review status: criteria provided, single submitter. Criteria: ClinGen Low Penetrance/Risk Allele, 2024. Collection method: curation. Allele origin: germline. Affected: no.
Comment: A meta-analysis of 30 published population studies investigating the association between p.Ile1307Lys and colorectal neoplasms, colorectal adenomas, and/or colorectal carcinoma concluded that this variant doubles the risk of developing colorectal neoplasms in individuals of Ashkenazi descent (Liang et al., 2013, PMID: 23576677). However, the risk in other populations is unclear. The variant is found in almost 4% of Ashkenazi Jews (gnomAD v4.1.0) and in 28% of Ashkenazi Jews with a family history of colorectal cancer (Laken et al., 1997, PMID: 9288102). This variant is listed in the ClinVar database as a risk variant for colorectal cancer (ClinVar Variation ID: 822 Accession: VCV000000822.134) and is classified as an established risk allele according to the recommendations of the ClinGen Low Penetrance/Risk Allele Working Group (Schmidt et al., 2023, PMID: 38054408). The International Society for Gastrointestinal Hereditary Tumors (InSiGHT) has issued an official recommendation that patients of non-Ashkenazi Jewish descent with this variant should be included in national colorectal cancer screening programs for individuals at average risk. However, according to NCCN (National Comprehensive Cancer Network V.2.2022) guidelines, the authors recommend initiating colonoscopy at age 40 and repeating it every 5 years for all individuals without colorectal cancer carrying the APC variant p.(Ile1307Lys), regardless of ethnicity. For patients with the APC variant p.(Ile1307Lys) and a first-degree relative with colorectal cancer, it is recommended to begin colonoscopy 10 years before the age of onset of the affected relative, provided that this occurs before the patient's 40th birthday (PMID:37076288).

Labcorp Genetics (formerly Invitae), Labcorp
Classification: association for Familial adenomatous polyposis 1. Last evaluated: 2026-02-03. Review status: criteria provided, single submitter. Criteria: Invitae Variant Classification Sherloc (09022015). Collection method: clinical testing. Allele origin: germline.
Comment: This sequence change replaces isoleucine, which is neutral and non-polar, with lysine, which is basic and polar, at codon 1307 of the APC protein (p.Ile1307Lys). This variant is present in population databases (rs1801155, gnomAD 4%), including at least one homozygous and/or hemizygous individual. This variant is found in approximately 10% of Ashkenazi Jewish individuals and 3% of Sephardic Jewish individuals (PMID: 23896379). Other studies have reported a 6-7% frequency in Ashkenazi individuals (PMID: 9288102). This variant is found in ~28% of Ashkenazi Jewish individuals with familial colorectal cancer (PMID: 9288102). ClinVar contains an entry for this variant (Variation ID: 822). In a large meta-analysis involving approximately 10,000 cases and controls (PMID: 23576677), Ashkenazi Jewish individuals who carried the I1307K change had a significantly increased risk of colorectal cancer (OR=2.17, 95% CI=1.65-2.86). By contrast, the I1307K change did not appear to confer any additional risk of colorectal cancer in non-Ashkenazi Jewish individuals (OR=1.36, 95% CI=0.59-3.13). This DNA substitution converts an AAATAAAA sequence element into an extended tract of eight adenosine nucleotides (A8). The A8 mononucleotide tract created by this change has been shown to confer an increased propensity for somatic truncating mutations on this allele (PMID: 9751605). Invitae Evidence Modeling of protein sequence and biophysical properties (such as structural, functional, and spatial information, amino acid conservation, physicochemical variation, residue mobility, and thermodynamic stability) indicates that this missense variant is not expected to disrupt APC protein function with a negative predictive value of 95%. In summary, this is a frequently observed variant that is associated with a 2-fold increased risk of colorectal cancer in the Ashkenazi Jewish population. An increased risk of colorectal cancer in individuals who are not of Ashkenazi Jewish ancestry has not been established.

Center for Genomic Medicine, Rigshospitalet, Copenhagen University Hospital
Classification: Uncertain significance. Last evaluated: 2025-12-29. Review status: criteria provided, single submitter. Criteria: ACMG Guidelines, 2015. Collection method: clinical testing. Allele origin: germline.

NM_000038.6(APC):c.3920T>A (p.Ile1307Lys)

Gene: APC (APC regulator of Wnt signaling pathway; plus strand). Cytogenetic location: 5q22.2.
Variant type: single nucleotide variant.
Coding change: c.3920T>A on transcript NM_000038.6 (MANE Select); coding-DNA position 3920, T replaced by A.
Protein change: p.Ile1307Lys; replaces isoleucine 1307 with lysine.
Molecular consequence: missense variant.
Genome position (GRCh38, 1-based): chr5:112,839,514, T>A. VCF-style: chr5-112839514-T-A. GRCh37 (hg19) VCF-style: chr5-112175211-T-A.
Other names: p.I1307K:ATA>AAA; CCDS4107.1:c.3920T>A; 3920T>A; c.3920T>A, p.Ile1307Lys (NM_001127510.3, NM_001354895.2); c.3866T>A, p.Ile1289Lys (NM_001127511.3); c.3974T>A, p.Ile1325Lys (NM_001354896.2); c.3950T>A, p.Ile1317Lys (NM_001354897.2); c.3845T>A, p.Ile1282Lys (NM_001354898.2); and 8 more; short protein forms I1307K, I1289K, I1266K, I1317K, I1325K, I1147K, I1206K, I1216K.
Identifiers: ClinVar variation 822 (VCV000000822.143), dbSNP rs1801155, ClinGen allele CA008761.